The following is an entry in ClinVar:

NM_014629.4(ARHGEF10):c.831C>G (p.Asn277Lys)

Gene: ARHGEF10 (Rho guanine nucleotide exchange factor 10; plus strand). Cytogenetic location: 8p23.3.
Variant type: single nucleotide variant.
Coding change: c.831C>G on transcript NM_014629.4 (MANE Select); coding-DNA position 831, C replaced by G.
Protein change: p.Asn277Lys; replaces asparagine 277 with lysine.
Molecular consequence: missense variant.
Genome position (GRCh38, 1-based): chr8:1,876,722, C>G. VCF-style: chr8-1876722-C-G. GRCh37 (hg19) VCF-style: chr8-1824888-C-G.
Other names: c.834C>G, p.Asn278Lys (NM_001308152.2, NM_001308153.3); short protein forms N277K, N302K, N278K.
Identifiers: ClinVar variation 617983 (VCV000617983.38), dbSNP rs756594069, ClinGen allele CA4600035.
Genomic context (GRCh38, chr8:1,876,722, plus strand): 5'-CGAAGAGCAGAGTGACTCGGAGTGCAAGAATGGGATTCCCAGGTCCTTCCTGCGCAGCAA[C>G]CACAAAAAGCAAGTACGTGTTCCCTGCACATGTGAGGGATGGTTCTCTCGCGTTAACACG-3'
Protein context (NP_055444.2, residues 267-287): NGIPRSFLRS[Asn277Lys]HKKQLSHDLT

ClinVar aggregate classification (germline): Conflicting classifications of pathogenicity. Review status: criteria provided, conflicting classifications (1 of 4 stars). 3 submissions from 3 submitters: Uncertain significance (2); Likely benign (1). Last evaluated 2025-02-12.

Allele frequency attached by ClinVar (database versions not stated): TOPMed 0.00002.
gnomAD v4.1: 85 of 1,614,022 alleles (0.0053%); highest among the groups gnomAD compares: Non-Finnish European, 0.0068%; no homozygotes.

Submissions (3):

Ambry Genetics
Classification: Uncertain significance. Last evaluated: 2025-02-12. Review status: criteria provided, single submitter. Criteria: Ambry Variant Classification Scheme 2023. Collection method: clinical testing. Allele origin: germline.

CeGaT Center for Human Genetics Tuebingen
Classification: Likely benign. Last evaluated: 2023-03-01. Review status: criteria provided, single submitter. Criteria: CeGaT Center For Human Genetics Tuebingen Variant Classification Criteria Version 2. Collection method: clinical testing. Allele origin: germline. Affected: yes. Observed: 1 variant allele.
Comment: ARHGEF10: BP4

ARUP Laboratories, Molecular Genetics and Genomics, ARUP Laboratories
Classification: Uncertain significance. Last evaluated: 2018-01-03. Review status: criteria provided, single submitter. Criteria: ARUP Molecular Germline Variant Investigation Process. Collection method: clinical testing. Allele origin: germline.
Comment: The ARHGEF10 c.831C>G; p.Asn277Lys variant (rs756594069), to our knowledge, is not reported in the medical literature, gene specific variation databases, nor has it been previously identified by our laboratory. This variant is listed in the genome Aggregation Database (gnomAD) with a non-Finnish European population frequency of 0.006% (identified on 7 out of 126,714 chromosomes). The asparagine at position 277 is weakly conserved considering 12 species, and computational analyses of the effects of the p.Asn277Lys variant on protein structure and function make conflicting predictions (SIFT: tolerated, MutationTaster: disease causing, PolyPhen-2: benign). Based on the available information, the clinical significance of the p.Asn277Lys variant cannot be determined with certainty.